The following is an entry in ClinVar:

ClinVar aggregate classification (germline): Uncertain significance. Review status: criteria provided, multiple submitters, no conflicts (2 of 4 stars). 2 submissions from 2 submitters: Uncertain significance (2). Last evaluated 2022-04-21.

Conditions:
Cerebellar ataxia, impaired intellectual development, and dysequilibrium syndrome 4. Also called: CEREBELLAR ATAXIA AND MENTAL RETARDATION WITH OR WITHOUT QUADRUPEDAL LOCOMOTION 4; Cerebellar ataxia, mental retardation, and dysequilibrium syndrome 4; Cerebellar ataxia, intellectual disability, and dysequilibrium syndrome 4. Identifiers: Orphanet 1766, MedGen C3808977, MONDO:0014104, OMIM 615268.

Allele frequency attached by ClinVar (database versions not stated): gnomAD exomes below 0.00001; gnomAD 0.00001; TOPMed 0.00001.
gnomAD v4.1: 3 of 1,613,864 alleles (0.00019%); highest among the groups gnomAD compares: African/African-American, 0.0013%; no homozygotes.

Submissions (2):

Labcorp Genetics (formerly Invitae), Labcorp
Classification: Uncertain significance. Last evaluated: 2022-04-21. Review status: criteria provided, single submitter. Criteria: Invitae Variant Classification Sherloc (09022015). Collection method: clinical testing. Allele origin: germline.
Comment: This sequence change replaces arginine, which is basic and polar, with glutamine, which is neutral and polar, at codon 659 of the ATP8A2 protein (p.Arg659Gln). The frequency data for this variant in the population databases is considered unreliable, as metrics indicate poor data quality at this position in the gnomAD database. This variant has not been reported in the literature in individuals affected with ATP8A2-related conditions. ClinVar contains an entry for this variant (Variation ID: 1184354). Algorithms developed to predict the effect of missense changes on protein structure and function (SIFT, PolyPhen-2, Align-GVGD) all suggest that this variant is likely to be tolerated. In summary, the available evidence is currently insufficient to determine the role of this variant in disease. Therefore, it has been classified as a Variant of Uncertain Significance.

New York Genome Center
Classification: Uncertain significance for Cerebellar ataxia, impaired intellectual development, and dysequilibrium syndrome 4. Last evaluated: 2020-07-10. Review status: criteria provided, single submitter. Criteria: NYGC Assertion Criteria 2020. Collection method: clinical testing. Allele origin: inherited. Observed: 1 heterozygote. Study: CSER-NYCKidSeq.

NM_016529.6(ATP8A2):c.1976G>A (p.Arg659Gln)

Gene: ATP8A2 (ATPase phospholipid transporting 8A2). Cytogenetic location: 13q12.13.
Variant type: single nucleotide variant.
Coding change: c.1976G>A on transcript NM_016529.6 (MANE Select); coding-DNA position 1976, G replaced by A.
Protein change: p.Arg659Gln; replaces arginine 659 with glutamine.
Molecular consequence: missense variant.
Genome position (GRCh38, 1-based): chr13:25,579,916, G>A. VCF-style: chr13-25579916-G-A. GRCh37 (hg19) VCF-style: chr13-26154054-G-A.
Other names: c.1856G>A, p.Arg619Gln (NM_001313741.1); short protein forms R619Q, R659Q.
Identifiers: ClinVar variation 1184354 (VCV001184354.3), dbSNP rs566960742, ClinGen allele CA247158845.